The following is an entry in ClinVar:

NM_020778.5(ALPK3):c.4378C>G (p.Leu1460Val)

Gene: ALPK3 (alpha kinase 3; plus strand). Cytogenetic location: 15q25.3.
Variant type: single nucleotide variant.
Coding change: c.4378C>G on transcript NM_020778.5 (MANE Select); coding-DNA position 4378, C replaced by G.
Protein change: p.Leu1460Val; replaces leucine 1460 with valine.
Molecular consequence: missense variant.
Genome position (GRCh38, 1-based): chr15:84,862,883, C>G. VCF-style: chr15-84862883-C-G. GRCh37 (hg19) VCF-style: chr15-85406114-C-G.
Other names: short protein forms L1460V.
Identifiers: ClinVar variation 3664245 (VCV003664245.2).

ClinVar aggregate classification (germline): Uncertain significance (1 of 4 stars; one submission).

gnomAD v4.1: 3 of 1,614,088 alleles (0.00019%); highest among the groups gnomAD compares: Non-Finnish European, 0.00025%; no homozygotes.

Submission:

Labcorp Genetics (formerly Invitae), Labcorp
Classification: Uncertain significance. Last evaluated: 2024-09-02. Review status: criteria provided, single submitter. Criteria: Invitae Variant Classification Sherloc (09022015). Collection method: clinical testing. Allele origin: germline.
Comment: This sequence change replaces leucine, which is neutral and non-polar, with valine, which is neutral and non-polar, at codon 1662 of the ALPK3 protein (p.Leu1662Val). This variant is present in population databases (rs781232591, gnomAD 0.0009%). This variant has not been reported in the literature in individuals affected with ALPK3-related conditions. Invitae Evidence Modeling of protein sequence and biophysical properties (such as structural, functional, and spatial information, amino acid conservation, physicochemical variation, residue mobility, and thermodynamic stability) indicates that this missense variant is expected to disrupt ALPK3 protein function with a positive predictive value of 80%. In summary, the available evidence is currently insufficient to determine the role of this variant in disease. Therefore, it has been classified as a Variant of Uncertain Significance.